The following is an entry in ClinVar:

NM_017739.4(POMGNT1):c.1669C>A (p.His557Asn)

Genes: POMGNT1 (protein O-linked mannose N-acetylglucosaminyltransferase 1 (beta 1,2-); minus strand), TSPAN1 (tetraspanin 1; plus strand). Cytogenetic location: 1p34.1.
Variant type: single nucleotide variant.
Coding change: c.1669C>A on transcript NM_017739.4 (MANE Select); coding-DNA position 1669, C replaced by A.
Protein change: p.His557Asn; replaces histidine 557 with asparagine.
Molecular consequence: missense variant.
Genome position (GRCh38, 1-based): chr1:46,189,970, G>T on the plus strand (C>A on the coding strand, the complement: POMGNT1 is on the minus strand). VCF-style: chr1-46189970-G-T. GRCh37 (hg19) VCF-style: chr1-46655642-G-T.
Other names: c.1603C>A, p.His535Asn (NM_001290129.3); c.1240C>A, p.His414Asn (NM_001290130.2); c.1669C>A, p.His557Asn (NM_001410783.1, NM_001243766.2); short protein forms H535N, H414N, H557N.
Identifiers: ClinVar variation 653068 (VCV000653068.9), dbSNP rs761426941, ClinGen allele CA833262.

ClinVar aggregate classification (germline): Uncertain significance. Review status: criteria provided, multiple submitters, no conflicts (2 of 4 stars). 3 submissions from 3 submitters: Uncertain significance (2). 1 of the submissions does not count toward it. Last evaluated 2023-11-27.

Conditions:
Autosomal recessive limb-girdle muscular dystrophy type 2O. Also called: Limb-Girdle Muscular Dystrophy Type 3C; MUSCULAR DYSTROPHY-DYSTROGLYCANOPATHY, LIMB-GIRDLE, POMGNT1-RELATED; MUSCULAR DYSTROPHY-DYSTROGLYCANOPATHY (LIMB-GIRDLE), TYPE C, 3. Identifiers: Orphanet 206564, MedGen C3150417, MONDO:0013161, OMIM 613157.
Muscular dystrophy-dystroglycanopathy (congenital with impaired intellectual development), type B, 3. Also called: Muscular dystrophy-dystroglycanopathy (congenital with intellectual disability), type B3; MUSCULAR DYSTROPHY, CONGENITAL, POMGNT1-RELATED. Identifiers: MedGen C3150412, MONDO:0013155, OMIM 613151.
Muscle eye brain disease (MEB). Also called: Santavuori congenital muscular dystrophy. Identifiers: Orphanet 588, Orphanet 899, MedGen C0457133, MONDO:0018939.

Allele frequency attached by ClinVar (database versions not stated): gnomAD exomes 0.00001; TOPMed 0.00003; ExAC 0.00001; gnomAD 0.00001.
gnomAD v4.1: 9 of 1,614,026 alleles (0.00056%); highest among the groups gnomAD compares: African/African-American, 0.0013%; no homozygotes.

Submissions (3):

Labcorp Genetics (formerly Invitae), Labcorp
Classification: Uncertain significance for Autosomal recessive limb-girdle muscular dystrophy type 2O; Muscular dystrophy-dystroglycanopathy (congenital with impaired intellectual development), type B, 3. Last evaluated: 2023-11-27. Review status: criteria provided, single submitter. Criteria: Invitae Variant Classification Sherloc (09022015). Collection method: clinical testing. Allele origin: germline.
Comment: This sequence change replaces histidine, which is basic and polar, with asparagine, which is neutral and polar, at codon 557 of the POMGNT1 protein (p.His557Asn). This variant is present in population databases (rs761426941, gnomAD 0.007%). This variant has not been reported in the literature in individuals affected with POMGNT1-related conditions. ClinVar contains an entry for this variant (Variation ID: 653068). Advanced modeling of protein sequence and biophysical properties (such as structural, functional, and spatial information, amino acid conservation, physicochemical variation, residue mobility, and thermodynamic stability) performed at Invitae indicates that this missense variant is not expected to disrupt POMGNT1 protein function with a negative predictive value of 95%. In summary, the available evidence is currently insufficient to determine the role of this variant in disease. Therefore, it has been classified as a Variant of Uncertain Significance.

Blueprint Genetics
Classification: Uncertain significance. Last evaluated: 2021-06-15. Review status: criteria provided, single submitter. Criteria: ACMG Guidelines, 2015. Collection method: clinical testing. Allele origin: germline.

Natera, Inc.
Classification: Uncertain significance for Muscle-eye-brain disease. Last evaluated: 2020-12-02. Review status: no assertion criteria provided. Collection method: clinical testing. Allele origin: germline. Not counted in ClinVar's aggregate classification.